The following is an entry in ClinVar:

ClinVar aggregate classification (germline): Pathogenic/Likely pathogenic. Review status: criteria provided, multiple submitters, no conflicts (2 of 4 stars). 2 submissions from 2 submitters: Pathogenic (1); Likely pathogenic (1). Last evaluated 2025-05-14.

Conditions:
Ichthyosis vulgaris. Also called: ICHTHYOSIS SIMPLEX; Dominant ichthyosis vulgaris. Identifiers: MedGen C0079584, MONDO:0024304, OMIM 146700.
Dermatitis, atopic, 2. Identifiers: MedGen C1853965, MONDO:0011596, OMIM 605803.

Submissions (2):

GeneDx
Classification: Pathogenic. Last evaluated: 2025-05-14. Review status: criteria provided, single submitter. Criteria: GeneDx Variant Classification Process June 2021. Collection method: clinical testing. Allele origin: germline. Affected: yes.
Comment: Frameshift variant predicted to result in protein truncation or nonsense mediated decay in a gene for which loss of function is a known mechanism of disease; This variant is associated with the following publications: (PMID: 33969541, 18239616)

Juno Genomics, Hangzhou Juno Genomics, Inc
Classification: Likely pathogenic for Dermatitis, atopic, 2; Ichthyosis vulgaris. Review status: criteria provided, single submitter. Criteria: ACMG Guidelines, 2015. Collection method: clinical testing. Allele origin: germline.
Comment: Null variant in a gene where loss of function (LOF) is a known mechanism of disease.;For recessive disorders, detected in trans with a pathogenic variant.;Patient's phenotype or family history is highly specific for a disease with a single genetic etiology.

NM_002016.2(FLG):c.1248dup (p.Ser417fs)

Genes: CCDST (cervical cancer associated DHX9 suppressive transcript; plus strand), FLG (filaggrin; minus strand). Cytogenetic location: 1q21.3.
Variant type: Duplication.
Coding change: c.1248dup on transcript NM_002016.2 (MANE Select); coding-DNA position 1248, one base duplicated (G; older notation c.1248dupG).
Protein change: p.Ser417fs; shifts the reading frame from serine 417.
Molecular consequence: frameshift variant. On other transcripts: non-coding transcript variant (1).
Genome position (GRCh38, 1-based): chr1:152,313,638, C duplicated on the plus strand (G on the coding strand, the reverse complement: FLG is on the minus strand); the first of 5 consecutive C bases (chr1:152,313,638-152,313,642); duplicating any one gives the same sequence. VCF-style (leftmost placement, unchanged base first): chr1-152313637-A-AC. GRCh37 (hg19) VCF-style: chr1-152286113-A-AC.
Other names: c.1248dupG (NM_002016.1); c.1248dup (NM_002016.1); short protein forms S417fs.
Identifiers: ClinVar variation 429703 (VCV000429703.9), dbSNP rs763225328, ClinGen allele CA1107723.